The following is an entry in ClinVar:

NM_000116.5(TAFAZZIN):c.146T>G (p.Val49Gly)

Gene: TAFAZZIN (tafazzin, phospholipid-lysophospholipid transacylase; plus strand). Cytogenetic location: Xq28.
Variant type: single nucleotide variant.
Coding change: c.146T>G on transcript NM_000116.5 (MANE Select); coding-DNA position 146, T replaced by G.
Protein change: p.Val49Gly; replaces valine 49 with glycine.
Molecular consequence: missense variant. On other transcripts: non-coding transcript variant (1).
Genome position (GRCh38, 1-based): chrX:154,412,122, T>G. VCF-style: chrX-154412122-T-G. GRCh37 (hg19) VCF-style: chrX-153640459-T-G.
Other names: c.200T>G, p.Val67Gly (NM_001303465.2, NM_001410698.1, NM_001440856.1 and 1 more transcripts); c.146T>G, p.Val49Gly (NM_001440858.1, NM_181311.4, NM_181312.4 and 1 more transcripts); short protein forms V49G, V67G.
Identifiers: ClinVar variation 4714025 (VCV004714025.1).

ClinVar aggregate classification (germline): Uncertain significance (1 of 4 stars; one submission).

Conditions:
3-Methylglutaconic aciduria type 2 (BTHS). Also called: CARDIOSKELETAL MYOPATHY WITH NEUTROPENIA AND ABNORMAL MITOCHONDRIA; Barth syndrome. Identifiers: Orphanet 111, MedGen C0574083, MONDO:0010543, OMIM 302060.

Submission:

Labcorp Genetics (formerly Invitae), Labcorp
Classification: Uncertain significance for 3-Methylglutaconic aciduria type 2. Last evaluated: 2025-02-27. Review status: criteria provided, single submitter. Criteria: Invitae Variant Classification Sherloc (09022015). Collection method: clinical testing. Allele origin: germline.
Comment: This sequence change replaces valine, which is neutral and non-polar, with glycine, which is neutral and non-polar, at codon 49 of the TAZ protein (p.Val49Gly). This variant is not present in population databases (gnomAD no frequency). This variant has not been reported in the literature in individuals affected with TAZ-related conditions. An algorithm developed to predict the effect of missense changes on protein structure and function (PolyPhen-2) suggests that this variant is likely to be tolerated. In summary, the available evidence is currently insufficient to determine the role of this variant in disease. Therefore, it has been classified as a Variant of Uncertain Significance.